The following is an entry in ClinVar:

NM_003673.4(TCAP):c.290C>T (p.Ala97Val)

Gene: TCAP (titin-cap; plus strand). Cytogenetic location: 17q12.
Variant type: single nucleotide variant.
Coding change: c.290C>T on transcript NM_003673.4 (MANE Select); coding-DNA position 290, C replaced by T.
Protein change: p.Ala97Val; replaces alanine 97 with valine.
Molecular consequence: missense variant.
Genome position (GRCh38, 1-based): chr17:39,665,895, C>T. VCF-style: chr17-39665895-C-T. GRCh37 (hg19) VCF-style: chr17-37822148-C-T.
Other names: p.A97V:GCC>GTC; short protein forms A97V.
Identifiers: ClinVar variation 202103 (VCV000202103.7), dbSNP rs774516749, ClinGen allele CA308820.

ClinVar aggregate classification (germline): Uncertain significance. Review status: criteria provided, multiple submitters, no conflicts (2 of 4 stars). 2 submissions from 2 submitters: Uncertain significance (2). Last evaluated 2022-04-08.

Conditions:
Hypertrophic cardiomyopathy 25 (CMH25). Also called: CARDIOMYOPATHY, FAMILIAL HYPERTROPHIC, 25. Identifiers: MedGen C4225408, MONDO:0011843, OMIM 607487.
Primary familial hypertrophic cardiomyopathy (HCM). Identifiers: Orphanet 99739, MedGen C0949658, MeSH D024741, MONDO:0024573. Inheritance: Various modes of inheritance.

Allele frequency attached by ClinVar (database versions not stated): gnomAD exomes below 0.00001; ExAC 0.00001; gnomAD 0.00001; TOPMed 0.00001.
gnomAD v4.1: 2 of 1,612,556 alleles (0.00012%); highest among the groups gnomAD compares: African/African-American, 0.0013%; no homozygotes.

Submissions (2):

Labcorp Genetics (formerly Invitae), Labcorp
Classification: Uncertain significance for Hypertrophic cardiomyopathy 25; Primary familial hypertrophic cardiomyopathy. Last evaluated: 2022-04-08. Review status: criteria provided, single submitter. Criteria: Invitae Variant Classification Sherloc (09022015). Collection method: clinical testing. Allele origin: germline.
Comment: This sequence change replaces alanine, which is neutral and non-polar, with valine, which is neutral and non-polar, at codon 97 of the TCAP protein (p.Ala97Val). This variant is present in population databases (rs774516749, gnomAD 0.007%). This variant has not been reported in the literature in individuals affected with TCAP-related conditions. ClinVar contains an entry for this variant (Variation ID: 202103). Algorithms developed to predict the effect of missense changes on protein structure and function are either unavailable or do not agree on the potential impact of this missense change (SIFT: "Deleterious"; PolyPhen-2: "Benign"; Align-GVGD: "Class C0"). In summary, the available evidence is currently insufficient to determine the role of this variant in disease. Therefore, it has been classified as a Variant of Uncertain Significance.

GeneDx
Classification: Uncertain significance. Last evaluated: 2014-04-30. Review status: criteria provided, single submitter. Criteria: GeneDx Variant Classification (06012015). Collection method: clinical testing. Allele origin: germline. Affected: yes.
Comment: p.Ala97Val (GCC>GTC): c.290 C>T in exon 2 of the TCAP gene (NM_003673.3). The A97V variant has not been published as a mutation, nor has it been reported as a benign polymorphism to our knowledge. The A97V variant was not observed in approximately 6500 individuals of European and African American ancestry in the NHLBI Exome Sequencing Project, indicating it is not a common benign variant in these populations. Missense mutations in nearby residues (R87Q, P90L, R106C) have been reported in association with cardiomyopathy, supporting the functional importance of this region of the protein. However, the A97V variant is a conservative amino acid substitution, which is not likely to impact secondary protein structure as these residues share similar properties. This substitution occurs at a position that is not conserved across species. In silico analysis is inconsistent in its predictions as to whether or not the variant is damaging to the protein structure/function. Therefore, based on the currently available information, it is unclear whether this variant is a pathogenic mutation or a rare benign variant. The variant is found in CARDIOMYOPATHY panel(s).